The following is an entry in ClinVar:

NM_006514.4(SCN10A):c.5791dup (p.Arg1931fs)

Gene: SCN10A (sodium voltage-gated channel alpha subunit 10; minus strand). Cytogenetic location: 3p22.2.
Variant type: Duplication.
Coding change: c.5791dup on transcript NM_006514.4 (MANE Select); coding-DNA position 5791, one base duplicated (A; older notation c.5791dupA).
Protein change: p.Arg1931fs; shifts the reading frame from arginine 1931.
Molecular consequence: frameshift variant.
Genome position (GRCh38, 1-based): chr3:38,697,429, T duplicated on the plus strand (A on the coding strand, the reverse complement: SCN10A is on the minus strand). VCF-style (leftmost placement, unchanged base first): chr3-38697428-C-CT. GRCh37 (hg19) VCF-style: chr3-38738919-C-CT.
Other names: c.5788dup, p.Arg1930fs (NM_001293306.2); c.5497dup, p.Arg1833fs (NM_001293307.2); short protein forms R1833fs, R1930fs, R1931fs.
Identifiers: ClinVar variation 1362938 (VCV001362938.8), dbSNP rs2125978572, ClinGen allele CA2573136295.

ClinVar aggregate classification (germline): Uncertain significance (1 of 4 stars; one submission).

Conditions:
Brugada syndrome. Also called: Sudden unexplained nocturnal death syndrome; Sudden unexpected nocturnal death syndrome; Sudden Unexplained Death Syndrome; Sudden Unexplained Nocturnal Death Syndrome (SUNDS). Identifiers: Orphanet 130, MedGen C1142166, MONDO:0015263.

Allele frequency attached by ClinVar (database versions not stated): gnomAD exomes below 0.00001.

Submission:

Labcorp Genetics (formerly Invitae), Labcorp
Classification: Uncertain significance for Brugada syndrome. Last evaluated: 2021-06-21. Review status: criteria provided, single submitter. Criteria: Invitae Variant Classification Sherloc (09022015). Collection method: clinical testing. Allele origin: germline.
Comment: Experimental studies and prediction algorithms are not available or were not evaluated, and the functional significance of this variant is currently unknown. In summary, the available evidence is currently insufficient to determine the role of this variant in disease. Therefore, it has been classified as a Variant of Uncertain Significance. This sequence change creates a premature translational stop signal (p.Arg1931Lysfs*8) in the SCN10A gene. While this is not anticipated to result in nonsense mediated decay, it is expected to disrupt the last 26 amino acid(s) of the SCN10A protein. This variant has not been reported in the literature in individuals with SCN10A-related conditions. This variant is not present in population databases (ExAC no frequency).